The following is an entry in ClinVar:

NM_004667.6(HERC2):c.11022C>T (p.Ser3674=)

Gene: HERC2 (HECT and RLD domain containing E3 ubiquitin protein ligase 2; minus strand). Cytogenetic location: 15q13.1.
Variant type: single nucleotide variant.
Coding change: c.11022C>T on transcript NM_004667.6 (MANE Select); coding-DNA position 11022, C replaced by T.
Protein change: p.Ser3674=; no amino-acid change (serine 3674 retained).
Molecular consequence: synonymous variant.
Genome position (GRCh38, 1-based): chr15:28,144,791, G>A on the plus strand (C>T on the coding strand, the complement: HERC2 is on the minus strand). VCF-style: chr15-28144791-G-A. GRCh37 (hg19) VCF-style: chr15-28389937-G-A.
Identifiers: ClinVar variation 3772164 (VCV003772164.13).
Genomic context (GRCh38, chr15:28,144,791, plus strand): 5'-ATCGCTGATGAACTTCCACTTTAACTCATCCCCTGGGATGCGCAGCTCGCTGGACCAGTC[G>A]GACCACTCTCGGCCTGCGGGAGGAAAGCGCACCCCGGGGTTAGCTTCACTCCATCATCCA-3'
Protein context (NP_004658.3, residues 3664-3684): IVSVRSGREW[Ser3674=]DWSSELRIPG

ClinVar aggregate classification (germline): Likely benign (1 of 4 stars; one submission).

gnomAD v4.1: 22 of 1,614,146 alleles (0.0014%); highest among the groups gnomAD compares: Admixed American, 0.0017%; no homozygotes.

Submission:

CeGaT Center for Human Genetics Tuebingen
Classification: Likely benign. Last evaluated: 2024-12-01. Review status: criteria provided, single submitter. Criteria: CeGaT Center For Human Genetics Tuebingen Variant Classification Criteria Version 2. Collection method: clinical testing. Allele origin: germline. Affected: yes. Observed: 1 variant allele.
Comment: HERC2: BP4, BP7